The following is an entry in ClinVar:

ClinVar aggregate classification (germline): Likely benign. Review status: criteria provided, single submitter (1 of 4 stars). 2 submissions from 2 submitters: Likely benign (1). 1 of the submissions does not count toward it. Last evaluated 2023-09-03.

Conditions:
CREBBP-related disorder. Also called: CREBBP-related condition; CREBBP-related disorders.
Rubinstein-Taybi syndrome (RSTS). Identifiers: Orphanet 783, MedGen C0035934, MONDO:0019188.

Allele frequency attached by ClinVar (database versions not stated): TOPMed below 0.00001; ExAC 0.00001; gnomAD 0.00001.
gnomAD v4.1: 12 of 1,612,254 alleles (0.00074%); highest among the groups gnomAD compares: East Asian, 0.0022%; no homozygotes.

Submissions (2):

Labcorp Genetics (formerly Invitae), Labcorp
Classification: Likely benign for Rubinstein-Taybi syndrome. Last evaluated: 2023-09-03. Review status: criteria provided, single submitter. Criteria: Invitae Variant Classification Sherloc (09022015). Collection method: clinical testing. Allele origin: germline.

PreventionGenetics, part of Exact Sciences
Classification: Likely benign for CREBBP-related condition. Last evaluated: 2022-04-30. Review status: no assertion criteria provided. Collection method: clinical testing. Allele origin: germline. Not counted in ClinVar's aggregate classification.
Comment: This variant is classified as likely benign based on ACMG/AMP sequence variant interpretation guidelines (Richards et al. 2015 PMID: 25741868, with internal and published modifications).

NM_004380.3(CREBBP):c.6777C>T (p.Ser2259=)

Gene: CREBBP (CREB binding lysine acetyltransferase; minus strand). Cytogenetic location: 16p13.3.
Variant type: single nucleotide variant.
Coding change: c.6777C>T on transcript NM_004380.3 (MANE Select); coding-DNA position 6777, C replaced by T.
Protein change: p.Ser2259=; no amino-acid change (serine 2259 retained).
Molecular consequence: synonymous variant.
Genome position (GRCh38, 1-based): chr16:3,728,270, G>A on the plus strand (C>T on the coding strand, the complement: CREBBP is on the minus strand). VCF-style: chr16-3728270-G-A. GRCh37 (hg19) VCF-style: chr16-3778271-G-A.
Other names: c.6663C>T, p.Ser2221= (NM_001079846.1); c.6777C>T (NM_004380.2).
Identifiers: ClinVar variation 2779682 (VCV002779682.4), dbSNP rs759845532, ClinGen allele CA7869002.